The following is an entry in ClinVar:

NM_000186.4(CFH):c.193G>A (p.Val65Ile)

Gene: CFH (complement factor H; plus strand). Cytogenetic location: 1q31.3.
Variant type: single nucleotide variant.
Coding change: c.193G>A on transcript NM_000186.4 (MANE Select); coding-DNA position 193, G replaced by A.
Protein change: p.Val65Ile; replaces valine 65 with isoleucine.
Molecular consequence: missense variant.
Genome position (GRCh38, 1-based): chr1:196,673,112, G>A. VCF-style: chr1-196673112-G-A. GRCh37 (hg19) VCF-style: chr1-196642242-G-A.
Other names: c.193G>A, p.Val65Ile (NM_001014975.3); short protein forms V65I.
Identifiers: ClinVar variation 4291452 (VCV004291452.2).
Genomic context (GRCh38, chr1:196,673,112, plus strand): 5'-GGCACCCAGGCTATCTATAAATGCCGCCCTGGATATAGATCTCTTGGAAATGTAATAATG[G>A]TATGCAGGAAGGGAGAATGGGTTGCTCTTAATCCATTAAGGAAATGTCAGAGTAAGTACT-3'
Protein context (NP_000177.2, residues 55-75): GYRSLGNVIM[Val65Ile]CRKGEWVALN

ClinVar aggregate classification (germline): Uncertain significance (1 of 4 stars; one submission).

Conditions:
Atypical hemolytic-uremic syndrome. Identifiers: Orphanet 2134, MedGen C2931788, MONDO:0016244.
Age related macular degeneration 4. Identifiers: MedGen C1853147, MONDO:0012540, OMIM 610698.
Basal laminar drusen. Also called: DRUSEN OF BRUCH MEMBRANE; DRUSEN, CUTICULAR; DRUSEN, EARLY ADULT-ONSET, GROUPED. Identifiers: Orphanet 75376, MedGen C0730295, MONDO:0007472, OMIM 126700.
Factor H deficiency (CFHD). Also called: COMPLEMENT FACTOR H DEFICIENCY; CFH DEFICIENCY. Identifiers: Orphanet 200421, MedGen C0398777, MONDO:0012350, OMIM 609814.

gnomAD v4.1: 31 of 1,613,746 alleles (0.0019%); highest among the groups gnomAD compares: South Asian, 0.031%; no homozygotes.

Submission:

Genomenon, Inc
Classification: Uncertain significance for Age related macular degeneration 4; Atypical hemolytic-uremic syndrome; Factor H deficiency; Basal laminar drusen. Last evaluated: 2026-09-17. Review status: criteria provided, single submitter. Criteria: Genomenon Sequence Variant Interpretation Standards - Updated. Collection method: curation. Allele origin: germline. Affected: no.
Comment: CFH p.Val65Ile (c.193G>A) is a missense variant that changes the amino acid at residue 65 from valine to isoleucine. This variant has been reported in the published literature (PMID: 36211394). It is absent or not present at a significant frequency in gnomAD. In silico models predict that this variant is possibly or probably damaging. In conclusion, we classify CFH p.Val65Ile (c.193G>A) as a variant of uncertain significance.

Literature cited by the submitters: PubMed 36211394.